The following is an entry in ClinVar:

ClinVar aggregate classification (germline): Benign. Review status: criteria provided, multiple submitters, no conflicts (2 of 4 stars). 6 submissions from 5 submitters: Benign (6). Last evaluated 2021-07-01.

Conditions:
Muscular dystrophy, limb-girdle, autosomal dominant 4. Also called: Calpain-3-related limb-girdle muscular dystrophy D4; MUSCULAR DYSTROPHY, LIMB-GIRDLE, TYPE 1I. Identifiers: Orphanet 565909, MedGen C4748295, MONDO:0029133, OMIM 618129.
Autosomal recessive limb-girdle muscular dystrophy type 2A (LGMDR1). Also called: Calpainopathy; MUSCULAR DYSTROPHY, PELVOFEMORAL; Limb-girdle muscular dystrophy, type 2A; Muscular dystrophy, limb-girdle, type 2A, Amish; LEYDEN-MOEBIUS MUSCULAR DYSTROPHY. Identifiers: Orphanet 267, MedGen C1869123, MONDO:0009675, OMIM 253600. Disease mechanism: loss of function.

Allele frequency attached by ClinVar (database versions not stated): gnomAD 0.97839 and 0.97772; TOPMed 0.98291; 1000 Genomes Project 0.99121; gnomAD exomes 0.96998; 1000 Genomes Project 30x 0.99188.
gnomAD v4.1: 1,524,147 of 1,569,722 alleles (97%); highest among the groups gnomAD compares: East Asian, 100%; 740,117 homozygotes.

Submissions (6):

Genome-Nilou Lab
Classification: Benign for Muscular dystrophy, limb-girdle, autosomal dominant 4. Last evaluated: 2021-07-01. Review status: criteria provided, single submitter. Criteria: ACMG Guidelines, 2015. Collection method: clinical testing. Allele origin: germline. Affected: no.

Genome-Nilou Lab
Classification: Benign for Autosomal recessive limb-girdle muscular dystrophy type 2A. Last evaluated: 2021-07-01. Review status: criteria provided, single submitter. Criteria: ACMG Guidelines, 2015. Collection method: clinical testing. Allele origin: germline. Affected: no.

GeneDx
Classification: Benign. Last evaluated: 2018-06-14. Review status: criteria provided, single submitter. Criteria: GeneDx Variant Classification Process June 2021. Collection method: clinical testing. Allele origin: germline. Affected: yes.

Illumina Laboratory Services, Illumina
Classification: Benign for Limb-girdle muscular dystrophy, type 2A. Last evaluated: 2018-01-13. Review status: criteria provided, single submitter. Criteria: ICSL Variant Classification Criteria 13 December 2019. Collection method: clinical testing. Allele origin: germline.
Comment: This variant was observed in the ICSL laboratory as part of a predisposition screen in an ostensibly healthy population. It had not been previously curated by ICSL or reported in the Human Gene Mutation Database (HGMD: prior to June 1st, 2018), and was therefore a candidate for classification through an automated scoring system. Utilizing variant allele frequency, disease prevalence and penetrance estimates, and inheritance mode, an automated score was calculated to assess if this variant is too frequent to cause the disease. Based on the score and internal cut-off values, a variant classified as benign is not then subjected to further curation. The score for this variant resulted in a classification of benign for this disease.

Eurofins Ntd Llc (ga)
Classification: Benign. Last evaluated: 2016-04-12. Review status: criteria provided, single submitter. Criteria: EGL Classification Definitions 2015. Collection method: clinical testing. Allele origin: germline. Observed: 3 variant alleles, 3 homozygotes.

Breakthrough Genomics
Classification: Benign. Review status: criteria provided, single submitter. Criteria: ACMG Guidelines, 2015. Collection method: not provided. Allele origin: germline. Inheritance: Autosomal recessive inheritance. Affected: yes.

NM_000070.3(CAPN3):c.*134C>T

Gene: CAPN3 (calpain 3; plus strand). Cytogenetic location: 15q15.1.
Variant type: single nucleotide variant.
Coding change: c.*134C>T on transcript NM_000070.3 (MANE Select); 134 bases downstream of the stop codon, C replaced by T.
Molecular consequence: 3 prime UTR variant.
Genome position (GRCh38, 1-based): chr15:42,411,907, C>T. VCF-style: chr15-42411907-C-T. GRCh37 (hg19) VCF-style: chr15-42704105-C-T.
Other names: c.*134C>T (NM_024344.2, NM_173087.2, NM_173088.2 and 2 more transcripts).
Identifiers: ClinVar variation 286594 (VCV000286594.15), dbSNP rs3098423, ClinGen allele CA10605516.
Genomic context (GRCh38, chr15:42,411,907, plus strand): 5'-TTACCTCAAAGGACCCAGCAGCTACACCCCTACAGGCTTCCAGGCACCTCATCAGTCATG[C>T]TCCTCCTCCATTTTACCCCCTACCCATCCTTGATCGGTCATGCCTAGCCTGACCCTTTAG-3'